The following is an entry in ClinVar:

NM_001040108.2(MLH3):c.2911G>A (p.Val971Ile)

Gene: MLH3 (mutL homolog 3; minus strand). Cytogenetic location: 14q24.3.
Variant type: single nucleotide variant.
Coding change: c.2911G>A on transcript NM_001040108.2 (MANE Select); coding-DNA position 2911, G replaced by A.
Protein change: p.Val971Ile; replaces valine 971 with isoleucine.
Molecular consequence: missense variant.
Genome position (GRCh38, 1-based): chr14:75,046,745, C>T on the plus strand (G>A on the coding strand, the complement: MLH3 is on the minus strand). VCF-style: chr14-75046745-C-T. GRCh37 (hg19) VCF-style: chr14-75513448-C-T.
Other names: p.Val971Ile; c.2911G>A, p.Val971Ile (NM_014381.3); short protein forms V971I.
Identifiers: ClinVar variation 410896 (VCV000410896.30), dbSNP rs41555714, ClinGen allele CA7275618.

ClinVar aggregate classification (germline): Conflicting classifications of pathogenicity. Review status: criteria provided, conflicting classifications (1 of 4 stars). 10 submissions from 10 submitters: Uncertain significance (4); Benign (1); Likely benign (3). 2 of the submissions do not count toward it. Last evaluated 2026-01-12.

Conditions:
MLH3-related disorder. Also called: MLH3-related condition.
Endometrial carcinoma. Also called: Endometrial carcinoma, somatic. Identifiers: MedGen C0476089, MONDO:0002447, OMIM 608089, HP:0012114.
Colorectal cancer, hereditary nonpolyposis, type 7. Identifiers: Orphanet 144, MedGen C1858380, MONDO:0013725, OMIM 614385.

Allele frequency attached by ClinVar (database versions not stated): gnomAD 0.00048; ExAC 0.00053; TOPMed 0.00058; ESP Exome Variant Server 0.00077.
gnomAD v4.1: 1,053 of 1,614,018 alleles (0.065%); highest among the groups gnomAD compares: Non-Finnish European, 0.056%; 2 homozygotes.

Submissions (10):

Labcorp Genetics (formerly Invitae), Labcorp
Classification: Benign for Colorectal cancer, hereditary nonpolyposis, type 7. Last evaluated: 2026-01-12. Review status: criteria provided, single submitter. Criteria: Invitae Variant Classification Sherloc (09022015). Collection method: clinical testing. Allele origin: germline.

Mayo Clinic Laboratories, Mayo Clinic
Classification: Uncertain significance. Last evaluated: 2025-08-17. Review status: criteria provided, single submitter. Criteria: ACMG Guidelines, 2015. Collection method: clinical testing. Allele origin: germline. Observed: 1 variant allele.
Comment: BP4_moderate

ARUP Laboratories, Molecular Genetics and Genomics, ARUP Laboratories
Classification: Likely benign. Last evaluated: 2025-03-21. Review status: criteria provided, single submitter. Criteria: ARUP Molecular Germline Variant Investigation Process 2024. Collection method: clinical testing. Allele origin: germline.

Center for Genomic Medicine, Rigshospitalet, Copenhagen University Hospital
Classification: Uncertain significance. Last evaluated: 2025-03-04. Review status: criteria provided, single submitter. Criteria: ACMG Guidelines, 2015. Collection method: clinical testing. Allele origin: germline.

Blueprint Genetics
Classification: Likely benign. Last evaluated: 2024-11-19. Review status: criteria provided, single submitter. Criteria: ACMG Guidelines, 2015. Collection method: clinical testing. Allele origin: germline.

Ambry Genetics
Classification: Likely benign. Last evaluated: 2020-07-01. Review status: criteria provided, single submitter. Criteria: Ambry Variant Classification Scheme 2023. Collection method: clinical testing. Allele origin: germline.

Fulgent Genetics
Classification: Uncertain significance for Endometrial carcinoma; Colorectal cancer, hereditary nonpolyposis, type 7. Last evaluated: 2018-10-31. Review status: criteria provided, single submitter. Criteria: ACMG Guidelines, 2015. Collection method: clinical testing. Allele origin: unknown.

Illumina Laboratory Services, Illumina
Classification: Uncertain significance for Colorectal cancer, hereditary nonpolyposis, type 7. Last evaluated: 2018-01-15. Review status: criteria provided, single submitter. Criteria: ICSL Variant Classification Criteria 13 December 2019. Collection method: clinical testing. Allele origin: germline.

PreventionGenetics, part of Exact Sciences
Classification: Benign for MLH3-related condition. Last evaluated: 2020-01-16. Review status: no assertion criteria provided. Collection method: clinical testing. Allele origin: germline. Not counted in ClinVar's aggregate classification.
Comment: This variant is classified as benign based on ACMG/AMP sequence variant interpretation guidelines (Richards et al. 2015 PMID: 25741868, with internal and published modifications).

Department of Pathology and Laboratory Medicine, Sinai Health System
Classification: Uncertain significance. Review status: no assertion criteria provided. Collection method: clinical testing. Allele origin: unknown. Affected: yes. Study: The Canadian Open Genetics Repository (COGR). Not counted in ClinVar's aggregate classification.
Comment: The MLH3 p.Val971Ile variant was identified in a family with colorectal cancer; The proband's brother with tubular adenoma and another relative with ovarian cancer both did not carry the variant (Liu_2003_PMID:12702580). The variant was identified in dbSNP (ID: rs41555714), ClinVar (classified as uncertain significance by Invitae and Fulgent Genetics) and LOVD 3.0 (classified as a VUS, pathogenic and benign) but was not identified in Cosmic. The variant was identified in control databases in 178 of 282584 chromosomes (1 homozygous) at a frequency of 0.0006299 increasing the likelihood this could be a low frequency benign variant (Genome Aggregation Database March 6, 2019, v2.1.1). The variant was observed in the following populations: Ashkenazi Jewish in 85 of 10362 chromosomes (freq: 0.008203), European (non-Finnish) in 72 of 128936 chromosomes (freq: 0.000558), Other in 4 of 7214 chromosomes (freq: 0.000555), Latino in 15 of 35430 chromosomes (freq: 0.000423) and European (Finnish) in 2 of 25120 chromosomes (freq: 0.00008), but was not observed in the African, East Asian, or South Asian populations. The p.Val971 residue is not conserved in mammals and computational analyses (PolyPhen-2, SIFT, AlignGVGD, BLOSUM, MutationTaster) do not suggest a high likelihood of impact to the protein; however, this information is not predictive enough to rule out pathogenicity. The variant occurs outside of the splicing consensus sequence and three of four in silico or computational prediction software programs (SpliceSiteFinder, MaxEntScan, NNSPLICE, GeneSplicer) do not predict a greater than 10% difference in splicing; this is not very predictive of pathogenicity. In summary, based on the above information the clinical significance of this variant cannot be determined with certainty at this time. This variant is classified as a variant of uncertain significance.